The following is an entry in ClinVar:

NM_000057.4(BLM):c.1054G>A (p.Glu352Lys)

Gene: BLM (BLM RecQ like helicase; plus strand). Cytogenetic location: 15q26.1.
Variant type: single nucleotide variant.
Coding change: c.1054G>A on transcript NM_000057.4 (MANE Select); coding-DNA position 1054, G replaced by A.
Protein change: p.Glu352Lys; replaces glutamic acid 352 with lysine.
Molecular consequence: missense variant. On other transcripts: 5 prime UTR variant (1).
Genome position (GRCh38, 1-based): chr15:90,754,905, G>A. VCF-style: chr15-90754905-G-A. GRCh37 (hg19) VCF-style: chr15-91298135-G-A.
Other names: c.1054G>A, p.Glu352Lys (NM_001287246.2, NM_001287247.2); c.-238G>A (NM_001287248.2); short protein forms E352K.
Identifiers: ClinVar variation 572148 (VCV000572148.12), dbSNP rs369583279, ClinGen allele CA274731662.
Genomic context (GRCh38, chr15:90,754,905, plus strand): 5'-GAGGATGTTCTTAGCACATCAAAAGATCTTTTGTCAAAACCTGAGAAAATGAGTATGCAG[G>A]AGCTGAATCCAGAAACCAGCACAGACTGTGACGGTACAAGCAATATTTTAGACATACCAT-3'
Protein context (NP_000048.1, residues 342-362): LSKPEKMSMQ[Glu352Lys]LNPETSTDCD

ClinVar aggregate classification (germline): Uncertain significance. Review status: criteria provided, multiple submitters, no conflicts (2 of 4 stars). 2 submissions from 2 submitters: Uncertain significance (2). Last evaluated 2025-05-02.

Conditions:
Bloom syndrome (BLM). Also called: Bloom-Torre-Machacek syndrome. Identifiers: Orphanet 125, MedGen C0005859, MONDO:0008876, OMIM 210900.
Hereditary cancer-predisposing syndrome. Also called: Hereditary neoplastic syndrome; Tumor predisposition; Neoplastic Syndromes, Hereditary; Hereditary Cancer Syndrome. Identifiers: Orphanet 140162, MedGen C0027672, MeSH D009386, MONDO:0015356.

Allele frequency attached by ClinVar (database versions not stated): TOPMed below 0.00001; ESP Exome Variant Server 0.00008.

Submissions (2):

Ambry Genetics
Classification: Uncertain significance for Hereditary cancer-predisposing syndrome. Last evaluated: 2025-05-02. Review status: criteria provided, single submitter. Criteria: Ambry Variant Classification Scheme 2023. Collection method: clinical testing. Allele origin: germline.
Comment: The p.E352K variant (also known as c.1054G>A), located in coding exon 4 of the BLM gene, results from a G to A substitution at nucleotide position 1054. The glutamic acid at codon 352 is replaced by lysine, an amino acid with similar properties. This amino acid position is conserved. In addition, this alteration is predicted to be tolerated by in silico analysis. Since supporting evidence is limited at this time, the clinical significance of this alteration remains unclear.

Labcorp Genetics (formerly Invitae), Labcorp
Classification: Uncertain significance for Bloom syndrome. Last evaluated: 2018-02-12. Review status: criteria provided, single submitter. Criteria: Invitae Variant Classification Sherloc (09022015). Collection method: clinical testing. Allele origin: germline.
Comment: In summary, the available evidence is currently insufficient to determine the role of this variant in disease. Therefore, it has been classified as a Variant of Uncertain Significance. Algorithms developed to predict the effect of missense changes on protein structure and function output the following: SIFT: "Tolerated"; PolyPhen-2: "Benign"; Align-GVGD: "Class C0". The lysine amino acid residue is found in multiple mammalian species, suggesting that this missense change does not adversely affect protein function. These predictions have not been confirmed by published functional studies and their clinical significance is uncertain. This variant has not been reported in the literature in individuals with BLM-related disease. This variant is not present in population databases (ExAC no frequency). This sequence change replaces glutamic acid with lysine at codon 352 of the BLM protein (p.Glu352Lys). The glutamic acid residue is weakly conserved and there is a small physicochemical difference between glutamic acid and lysine.